The following is an entry in ClinVar:

NM_183050.4(BCKDHB):c.503G>C (p.Arg168Pro)

Gene: BCKDHB (branched chain keto acid dehydrogenase E1 subunit beta; plus strand). Cytogenetic location: 6q14.1.
Variant type: single nucleotide variant.
Coding change: c.503G>C on transcript NM_183050.4 (MANE Select); coding-DNA position 503, G replaced by C.
Protein change: p.Arg168Pro; replaces arginine 168 with proline.
Molecular consequence: missense variant. On other transcripts: non-coding transcript variant (6).
Genome position (GRCh38, 1-based): chr6:80,168,900, G>C. VCF-style: chr6-80168900-G-C. GRCh37 (hg19) VCF-style: chr6-80878617-G-C.
Other names: c.503G>C, p.Arg168Pro (NM_001424038.1, NM_001424039.1, NM_001424040.1 and 8 more transcripts); c.293G>C, p.Arg98Pro (NM_001424043.1, NM_001318975.1); short protein forms R168P, R98P.
Identifiers: ClinVar variation 3907540 (VCV003907540.1).
Genomic context (GRCh38, chr6:80,168,900, plus strand): 5'-TTGTGCCATGCCCCGTCTTTCTTTCTGACCCTCAGATTGTTAATGAAGCTGCCAAGTATC[G>C]CTATCGCTCTGGGGATCTTTTTAACTGTGGAAGCCTCACTATCCGGTCCCCTTGGGGCTG-3'
Protein context (NP_898871.1, residues 158-178): DQIVNEAAKY[Arg168Pro]YRSGDLFNCG

ClinVar aggregate classification (germline): Uncertain significance (1 of 4 stars; one submission).

gnomAD v4.1: 3 of 1,613,956 alleles (0.00019%); highest among the groups gnomAD compares: South Asian, 0.0011%; no homozygotes.

Submission:

Women's Health and Genetics/Laboratory Corporation of America, LabCorp
Classification: Uncertain significance. Last evaluated: 2025-06-25. Review status: criteria provided, single submitter. Criteria: LabCorp Variant Classification Summary - May 2015. Collection method: clinical testing. Allele origin: germline.
Comment: Variant summary: BCKDHB c.503G>C (p.Arg168Pro) results in a non-conservative amino acid change in the encoded protein sequence. Algorithms developed to predict the effect of missense changes on protein structure and function all suggest that this variant is likely to be disruptive. The variant was absent in 251412 control chromosomes. To our knowledge, no occurrence of c.503G>C in individuals affected with Maple Syrup Urine Disease and no experimental evidence demonstrating its impact on protein function have been reported. Different variants affecting the same codon have been classified as pathogenic by our lab (c.502C>T (p.Arg168Cys), c.503G>A (p.Arg168His)), supporting the critical relevance of codon 168 to BCKDHB protein function. No submitters have cited clinical-significance assessments for this variant to ClinVar. Based on the evidence outlined above, the variant was classified as VUS-possibly pathogenic.